The following is an entry in ClinVar:

ClinVar aggregate classification (germline): Uncertain significance (1 of 4 stars; one submission).

Submission:

Labcorp Genetics (formerly Invitae), Labcorp
Classification: Uncertain significance. Last evaluated: 2023-01-06. Review status: criteria provided, single submitter. Criteria: Invitae Variant Classification Sherloc (09022015). Collection method: clinical testing. Allele origin: germline.
Comment: In summary, the available evidence is currently insufficient to determine the role of this variant in disease. Therefore, it has been classified as a Variant of Uncertain Significance. Algorithms developed to predict the effect of missense changes on protein structure and function (SIFT, PolyPhen-2, Align-GVGD) all suggest that this variant is likely to be disruptive. This variant has not been reported in the literature in individuals affected with ZIC4-related conditions. This variant is not present in population databases (gnomAD no frequency). This sequence change replaces arginine, which is basic and polar, with leucine, which is neutral and non-polar, at codon 294 of the ZIC4 protein (p.Arg294Leu).

NM_032153.6(ZIC4):c.731G>T (p.Arg244Leu)

Gene: ZIC4 (Zic family zinc finger 4; minus strand). Cytogenetic location: 3q24.
Variant type: single nucleotide variant.
Coding change: c.731G>T on transcript NM_032153.6 (MANE Select); coding-DNA position 731, G replaced by T.
Protein change: p.Arg244Leu; replaces arginine 244 with leucine.
Molecular consequence: missense variant. On other transcripts: non-coding transcript variant (3).
Genome position (GRCh38, 1-based): chr3:147,391,204, C>A on the plus strand (G>T on the coding strand, the complement: ZIC4 is on the minus strand). VCF-style: chr3-147391204-C-A. GRCh37 (hg19) VCF-style: chr3-147108991-C-A.
Other names: c.881G>T, p.Arg294Leu (NM_001168378.1); c.845G>T, p.Arg282Leu (NM_001168379.2); c.113G>T, p.Arg38Leu (NM_001243256.2); short protein forms R244L, R38L, R282L, R294L.
Identifiers: ClinVar variation 2821723 (VCV002821723.3), dbSNP rs1230712251, ClinGen allele CA354891079.